The following is an entry in ClinVar:

NM_006231.4(POLE):c.6531+4_6531+10delinsAGAAGG

Gene: POLE (DNA polymerase epsilon, catalytic subunit; minus strand). Cytogenetic location: 12q24.33.
Variant type: Indel.
Coding change: c.6531+4_6531+10delinsAGAAGG on transcript NM_006231.4 (MANE Select); bases 4 to 10 of the intron after coding-DNA position 6531, CGGCTGA replaced by AGAAGG.
Molecular consequence: intron variant.
Genome position (GRCh38, 1-based): chr12:132,626,107-132,626,113, TCAGCCG replaced by CCTTCT on the plus strand (CGGCTGA replaced by AGAAGG on the coding strand, the reverse complement: POLE is on the minus strand). VCF-style: chr12-132626107-TCAGCCG-CCTTCT. GRCh37 (hg19) VCF-style: chr12-133202693-TCAGCCG-CCTTCT.
Other names: c.6531+4_6531+10delCGGCTGAinsAGAAGG (NM_006231.2).
Identifiers: ClinVar variation 965367 (VCV000965367.6), dbSNP rs2041832647, ClinGen allele CA1139662969.
Genomic context (GRCh38, chr12:132,626,107, plus strand): 5'-CCCTCAAGACACCGCAGTGCCCTCGGATGTTCTGCTCCACAGTGAAGGGCCCGCTGGAGC[TCAGCCG>CCTTCT]CACCTCTGAGAAGGAAGAGTCTTTACACAGGTCCAGGTCGCGGCAGAAGTTACAGCTGCG-3'

ClinVar aggregate classification (germline): Uncertain significance. Review status: criteria provided, multiple submitters, no conflicts (2 of 4 stars). 2 submissions from 2 submitters: Uncertain significance (2). Last evaluated 2025-06-11.

Conditions:
Hereditary cancer-predisposing syndrome. Also called: Hereditary neoplastic syndrome; Neoplastic Syndromes, Hereditary; Hereditary Cancer Syndrome; Tumor predisposition. Identifiers: Orphanet 140162, MedGen C0027672, MeSH D009386, MONDO:0015356.

Submissions (2):

Ambry Genetics
Classification: Uncertain significance for Hereditary cancer-predisposing syndrome. Last evaluated: 2025-06-11. Review status: criteria provided, single submitter. Criteria: Ambry Variant Classification Scheme 2023. Collection method: clinical testing. Allele origin: germline.
Comment: The c.6531+4_6531+10delCGGCTGAinsAGAAGG intronic variant, located in intron 46 of the POLE gene, results from an in-frame from the deletion of 7 nucleotides and the insertion of 6 nucleotides at nucleotide position 6531+4 to 6531+10. This nucleotide region is generally well conserved in available vertebrate species. In silico splice site analysis predicts that this alteration will not have any significant effect on splicing. Based on the available evidence, the clinical significance of this variant remains unclear.

Labcorp Genetics (formerly Invitae), Labcorp
Classification: Uncertain significance. Last evaluated: 2019-08-30. Review status: criteria provided, single submitter. Criteria: Invitae Variant Classification Sherloc (09022015). Collection method: clinical testing. Allele origin: germline.
Comment: In summary, the available evidence is currently insufficient to determine the role of this variant in disease. Therefore, it has been classified as a Variant of Uncertain Significance. Nucleotide substitutions within the consensus splice site are a relatively common cause of aberrant splicing (PMID: 17576681, 9536098). Algorithms developed to predict the effect of sequence changes on RNA splicing suggest that this variant is not likely to affect RNA splicing, but this prediction has not been confirmed by published transcriptional studies. This variant has not been reported in the literature in individuals with POLE-related conditions. This variant is not present in population databases (ExAC no frequency). This sequence change falls in intron 46 of the POLE gene. It does not directly change the encoded amino acid sequence of the POLE protein, but it affects a nucleotide within the consensus splice site of the intron.

Literature cited by the submitters: PubMed 17576681 (cited by Labcorp Genetics (formerly Invitae), Labcorp); PubMed 9536098 (cited by Labcorp Genetics (formerly Invitae), Labcorp).